The following is an entry in ClinVar:

ClinVar aggregate classification (germline): Uncertain significance (1 of 4 stars; one submission).

Conditions:
Coffin-Siris syndrome 12. Identifiers: MedGen C5444111, MONDO:0025699, OMIM 619325.

Submission:

Servicio de Genética Del Instituto Nacional de Salud Del Niño, Ministerio de Salud
Classification: Uncertain significance for Coffin-Siris syndrome 12. Last evaluated: 2024-11-18. Review status: criteria provided, single submitter. Criteria: ACMG Guidelines, 2015. Collection method: clinical testing. Allele origin: germline. Inheritance: Autosomal dominant inheritance.
Comment: The variant NM_001394372.1:c.1375G>A results in the substitution of valine with isoleucine at position 459 in the protein. Both valine and isoleucine are hydrophobic amino acids, and this substitution is less likely to significantly impact the protein's structure or function. The variant has been classified as PM2 (absence in population databases or very low frequency in the general population). Based on this evidence, this variant is classified as of uncertain significance

NM_001394372.1(BICRA):c.1375G>A (p.Val459Ile)

Gene: BICRA (BRD4 interacting chromatin remodeling complex associated protein; plus strand). Cytogenetic location: 19q13.33.
Variant type: single nucleotide variant.
Coding change: c.1375G>A on transcript NM_001394372.1 (MANE Select); coding-DNA position 1375, G replaced by A.
Protein change: p.Val459Ile; replaces valine 459 with isoleucine.
Molecular consequence: missense variant.
Genome position (GRCh38, 1-based): chr19:47,680,545, G>A. VCF-style: chr19-47680545-G-A. GRCh37 (hg19) VCF-style: chr19-48183802-G-A.
Other names: c.1375G>A, p.Val459Ile (NM_015711.3); short protein forms V459I.
Identifiers: ClinVar variation 3381244 (VCV003381244.2).